The following is an entry in ClinVar:

NC_000006.11:g.(?_162394314)_(162683817_?)del

Gene: PRKN (parkin RBR E3 ubiquitin protein ligase; minus strand). Cytogenetic location: 6q26.
Variant type: Deletion.
Identifiers: ClinVar variation 1460162 (VCV001460162.5).

ClinVar aggregate classification (germline): Pathogenic (1 of 4 stars; one submission).

Submission:

Labcorp Genetics (formerly Invitae), Labcorp
Classification: Pathogenic. Last evaluated: 2022-11-14. Review status: criteria provided, single submitter. Criteria: Invitae Variant Classification Sherloc (09022015). Collection method: clinical testing. Allele origin: germline.
Comment: For these reasons, this variant has been classified as Pathogenic. A similar copy number variant has been observed in individual(s) with clinical features of Parkinson disease (PMID: 10824074, 27182553). This variant is a gross deletion of the genomic region encompassing exon(s) 3-6 of the PRKN gene. This deletion is out-of-frame, and is expected to create a premature termination codon and result in an absent or disrupted protein product. Loss-of-function variants in PRKN are known to be pathogenic (PMID: 10072423, 20301651, 22956510).

Literature cited by the submitters: PubMed 10824074; PubMed 27182553; PubMed 10072423; PubMed 20301651; PubMed 22956510.